The following is an entry in ClinVar:

ClinVar aggregate classification (germline): Uncertain significance. Review status: criteria provided, multiple submitters, no conflicts (2 of 4 stars). 2 submissions from 2 submitters: Uncertain significance (2). Last evaluated 2025-09-19.

Conditions:
Hereditary cancer-predisposing syndrome. Also called: Hereditary neoplastic syndrome; Tumor predisposition; Hereditary Cancer Syndrome; Neoplastic Syndromes, Hereditary. Identifiers: Orphanet 140162, MedGen C0027672, MeSH D009386, MONDO:0015356.
Bloom syndrome (BLM). Also called: Bloom-Torre-Machacek syndrome. Identifiers: Orphanet 125, MedGen C0005859, MONDO:0008876, OMIM 210900.

gnomAD v4.1: 1 of 1,612,618 alleles (0.000062%); highest among the groups gnomAD compares: African/African-American, 0.0013%; no homozygotes.

Submissions (2):

Labcorp Genetics (formerly Invitae), Labcorp
Classification: Uncertain significance for Bloom syndrome. Last evaluated: 2025-09-19. Review status: criteria provided, single submitter. Criteria: Invitae Variant Classification Sherloc (09022015). Collection method: clinical testing. Allele origin: germline.
Comment: This sequence change replaces histidine, which is basic and polar, with asparagine, which is neutral and polar, at codon 281 of the BLM protein (p.His281Asn). This variant is not present in population databases (gnomAD no frequency). This variant has not been reported in the literature in individuals affected with BLM-related conditions. ClinVar contains an entry for this variant (Variation ID: 2586876). Invitae Evidence Modeling of protein sequence and biophysical properties (such as structural, functional, and spatial information, amino acid conservation, physicochemical variation, residue mobility, and thermodynamic stability) indicates that this missense variant is not expected to disrupt BLM protein function with a negative predictive value of 80%. In summary, the available evidence is currently insufficient to determine the role of this variant in disease. Therefore, it has been classified as a Variant of Uncertain Significance.

Ambry Genetics
Classification: Uncertain significance for Hereditary cancer-predisposing syndrome. Last evaluated: 2023-07-05. Review status: criteria provided, single submitter. Criteria: Ambry Variant Classification Scheme 2023. Collection method: clinical testing. Allele origin: germline.
Comment: The p.H281N variant (also known as c.841C>A), located in coding exon 3 of the BLM gene, results from a C to A substitution at nucleotide position 841. The histidine at codon 281 is replaced by asparagine, an amino acid with similar properties. This amino acid position is conserved. In addition, this alteration is predicted to be tolerated by in silico analysis. Since supporting evidence is limited at this time, the clinical significance of this alteration remains unclear.

NM_000057.4(BLM):c.841C>A (p.His281Asn)

Gene: BLM (BLM RecQ like helicase; plus strand). Cytogenetic location: 15q26.1.
Variant type: single nucleotide variant.
Coding change: c.841C>A on transcript NM_000057.4 (MANE Select); coding-DNA position 841, C replaced by A.
Protein change: p.His281Asn; replaces histidine 281 with asparagine.
Molecular consequence: missense variant. On other transcripts: 5 prime UTR variant (1).
Genome position (GRCh38, 1-based): chr15:90,751,828, C>A. VCF-style: chr15-90751828-C-A. GRCh37 (hg19) VCF-style: chr15-91295058-C-A.
Other names: c.841C>A, p.His281Asn (NM_001287246.2, NM_001287247.2); c.-451C>A (NM_001287248.2); short protein forms H281N.
Identifiers: ClinVar variation 2586876 (VCV002586876.5), dbSNP rs1567036590, ClinGen allele CA393841706.